The following is an entry in ClinVar:

NM_014846.4(WASHC5):c.1205A>G (p.Asp402Gly)

Gene: WASHC5 (WASH complex subunit 5; minus strand). Cytogenetic location: 8q24.13.
Variant type: single nucleotide variant.
Coding change: c.1205A>G on transcript NM_014846.4 (MANE Select); coding-DNA position 1205, A replaced by G.
Protein change: p.Asp402Gly; replaces aspartic acid 402 with glycine.
Molecular consequence: missense variant.
Genome position (GRCh38, 1-based): chr8:125,067,665, T>C on the plus strand (A>G on the coding strand, the complement: WASHC5 is on the minus strand). VCF-style: chr8-125067665-T-C. GRCh37 (hg19) VCF-style: chr8-126079907-T-C.
Other names: c.761A>G, p.Asp254Gly (NM_001330609.2); short protein forms D402G, D254G.
Identifiers: ClinVar variation 1932844 (VCV001932844.5), dbSNP rs1816786066, ClinGen allele CA372193690.

ClinVar aggregate classification (germline): Uncertain significance (1 of 4 stars; one submission).

Conditions:
Hereditary spastic paraplegia 8 (SPG8). Also called: SPASTIC PARAPLEGIA 8, AUTOSOMAL DOMINANT. Identifiers: Orphanet 100989, MedGen C1863704, MONDO:0011339, OMIM 603563.
Ritscher-Schinzel syndrome. Also called: CRANIOCEREBELLOCARDIAC DYSPLASIA. Identifiers: Orphanet 7, MedGen C0796137, MONDO:0019078.

Allele frequency attached by ClinVar (database versions not stated): gnomAD exomes below 0.00001.
gnomAD v4.1: 4 of 1,613,590 alleles (0.00025%); highest among the groups gnomAD compares: Non-Finnish European, 0.00034%; no homozygotes.

Submission:

Labcorp Genetics (formerly Invitae), Labcorp
Classification: Uncertain significance for Ritscher-Schinzel syndrome; Hereditary spastic paraplegia 8. Last evaluated: 2022-04-19. Review status: criteria provided, single submitter. Criteria: Invitae Variant Classification Sherloc (09022015). Collection method: clinical testing. Allele origin: germline.
Comment: This variant has not been reported in the literature in individuals affected with WASHC5-related conditions. This variant is not present in population databases (gnomAD no frequency). This sequence change replaces aspartic acid, which is acidic and polar, with glycine, which is neutral and non-polar, at codon 402 of the WASHC5 protein (p.Asp402Gly). Algorithms developed to predict the effect of missense changes on protein structure and function are either unavailable or do not agree on the potential impact of this missense change (SIFT: "Deleterious"; PolyPhen-2: "Benign"; Align-GVGD: "Class C0"). In summary, the available evidence is currently insufficient to determine the role of this variant in disease. Therefore, it has been classified as a Variant of Uncertain Significance.